The following is an entry in ClinVar:

NM_000238.4(KCNH2):c.1780G>A (p.Gly594Ser)

Gene: KCNH2 (potassium voltage-gated channel subfamily H member 2; minus strand). Cytogenetic location: 7q36.1.
Variant type: single nucleotide variant.
Coding change: c.1780G>A on transcript NM_000238.4 (MANE Select); coding-DNA position 1780, G replaced by A.
Protein change: p.Gly594Ser; replaces glycine 594 with serine.
Molecular consequence: missense variant. On other transcripts: non-coding transcript variant (2).
Genome position (GRCh38, 1-based): chr7:150,951,613, C>T on the plus strand (G>A on the coding strand, the complement: KCNH2 is on the minus strand). VCF-style: chr7-150951613-C-T. GRCh37 (hg19) VCF-style: chr7-150648701-C-T.
Other names: c.1603G>A, p.Gly535Ser (NM_001406755.1); c.1492G>A, p.Gly498Ser (NM_001406756.1, NM_001406753.1); c.1480G>A, p.Gly494Ser (NM_001406757.1); c.1780G>A, p.Gly594Ser (NM_172056.3); c.760G>A, p.Gly254Ser (NM_172057.3, NM_001204798.2); short protein forms G494S, G535S, G594S, G254S, G498S.
Identifiers: ClinVar variation 3653334 (VCV003653334.2).

ClinVar aggregate classification (germline): Uncertain significance (1 of 4 stars; one submission).

Conditions:
Long QT syndrome (LQTS). Identifiers: MedGen C0023976, MeSH D008133, MONDO:0002442. Disease mechanism: loss of function. Inheritance: Various modes of inheritance.

Submission:

Labcorp Genetics (formerly Invitae), Labcorp
Classification: Uncertain significance for Long QT syndrome. Last evaluated: 2025-08-01. Review status: criteria provided, single submitter. Criteria: Invitae Variant Classification Sherloc (09022015). Collection method: clinical testing. Allele origin: germline.
Comment: This sequence change replaces glycine, which is neutral and non-polar, with serine, which is neutral and polar, at codon 594 of the KCNH2 protein (p.Gly594Ser). This variant is not present in population databases (gnomAD no frequency). This variant has not been reported in the literature in individuals affected with KCNH2-related conditions. ClinVar contains an entry for this variant (Variation ID: 3653334). An algorithm developed to predict the effect of missense changes on protein structure and function (PolyPhen-2) suggests that this variant is likely to be disruptive. This variant disrupts the p.Gly594 amino acid residue in KCNH2. Other variant(s) that disrupt this residue have been determined to be pathogenic (PMID: 17905336, 22949429). This suggests that this residue is clinically significant, and that variants that disrupt this residue are likely to be disease-causing. In summary, the available evidence is currently insufficient to determine the role of this variant in disease. Therefore, it has been classified as a Variant of Uncertain Significance.

Literature cited by the submitters: PubMed 17905336; PubMed 22949429.